The following is an entry in ClinVar:

ClinVar aggregate classification (germline): Benign/Likely benign. Review status: criteria provided, multiple submitters, no conflicts (2 of 4 stars). 9 submissions from 9 submitters: Benign (1); Likely benign (8). Last evaluated 2026-03-27.

Conditions:
Familial thoracic aortic aneurysm and aortic dissection (TAAD). Also called: Thoracic aortic aneurysms and dissections. Identifiers: Orphanet 91387, MedGen C4707243, MONDO:0019625.
Aortic aneurysm, familial thoracic 4 (AAT4). Also called: AORTIC ANEURYSM/AORTIC DISSECTION AND PATENT DUCTUS ARTERIOSUS. Identifiers: MedGen C1851504, MONDO:0007568, OMIM 132900.

Allele frequency attached by ClinVar (database versions not stated): gnomAD 0.00001 and 0.00002; ExAC 0.00003; gnomAD exomes 0.00004 and 0.00009; TOPMed 0.00006; ESP Exome Variant Server 0.00015.
gnomAD v4.1: 148 of 1,614,000 alleles (0.0092%); highest among the groups gnomAD compares: Non-Finnish European, 0.011%; 2 homozygotes.

Submissions (9):

Molecular Diagnostic Laboratory for Inherited Cardiovascular Disease, Montreal Heart Institute
Classification: Likely benign. Last evaluated: 2026-03-27. Review status: criteria provided, single submitter. Criteria: ACMG Guidelines, 2015. Collection method: clinical testing. Allele origin: germline. Affected: no.
Comment: BS1;BP7

Labcorp Genetics (formerly Invitae), Labcorp
Classification: Likely benign for Aortic aneurysm, familial thoracic 4. Last evaluated: 2026-01-12. Review status: criteria provided, single submitter. Criteria: Invitae Variant Classification Sherloc (09022015). Collection method: clinical testing. Allele origin: germline.

Ambry Genetics
Classification: Likely benign for Familial thoracic aortic aneurysm and aortic dissection. Last evaluated: 2024-10-27. Review status: criteria provided, single submitter. Criteria: Ambry Variant Classification Scheme 2023. Collection method: clinical testing. Allele origin: germline.

Women's Health and Genetics/Laboratory Corporation of America, LabCorp
Classification: Benign. Last evaluated: 2024-05-06. Review status: criteria provided, single submitter. Criteria: LabCorp Variant Classification Summary - May 2015. Collection method: clinical testing. Allele origin: germline.

Blueprint Genetics
Classification: Likely benign. Last evaluated: 2024-03-04. Review status: criteria provided, single submitter. Criteria: ACMG Guidelines, 2015. Collection method: clinical testing. Allele origin: germline.

All of Us Research Program, National Institutes of Health
Classification: Likely benign for Familial thoracic aortic aneurysm and aortic dissection. Last evaluated: 2024-01-03. Review status: criteria provided, single submitter. Criteria: ACMG Guidelines, 2015. Collection method: clinical testing. Allele origin: germline. Inheritance: Autosomal dominant inheritance. Observed: 10 variant alleles, 10 heterozygotes.
Comment: This study involves interpretation of variants in research participants for the purpose of population health screening. Participant phenotype was not available at the time of variant classification. Additional details can be found in publication PMID: 35346344, PMCID: PMC8962531

CHEO Genetics Diagnostic Laboratory, Children's Hospital of Eastern Ontario
Classification: Likely benign for Familial thoracic aortic aneurysm and aortic dissection. Last evaluated: 2022-05-19. Review status: criteria provided, single submitter. Criteria: ACMG Guidelines, 2015. Collection method: clinical testing. Allele origin: germline.

GeneDx
Classification: Likely benign. Last evaluated: 2020-03-25. Review status: criteria provided, single submitter. Criteria: GeneDx Variant Classification Process June 2021. Collection method: clinical testing. Allele origin: germline. Affected: yes.

Color Diagnostics, LLC DBA Color Health
Classification: Likely benign for Familial thoracic aortic aneurysm and aortic dissection. Last evaluated: 2018-04-20. Review status: criteria provided, single submitter. Criteria: ACMG Guidelines, 2015. Collection method: clinical testing. Allele origin: germline.

NM_002474.3(MYH11):c.4920G>A (p.Arg1640=)

Genes: MYH11 (myosin heavy chain 11; minus strand), NDE1 (nudE neurodevelopment protein 1; plus strand). Cytogenetic location: 16p13.11.
Variant type: single nucleotide variant.
Coding change: c.4920G>A on transcript NM_002474.3 (MANE Select); coding-DNA position 4920, G replaced by A.
Protein change: p.Arg1640=; no amino-acid change (arginine 1640 retained).
Molecular consequence: synonymous variant. On other transcripts: intron variant (2).
Genome position (GRCh38, 1-based): chr16:15,720,184, C>T on the plus strand (G>A on the coding strand, the complement: MYH11 is on the minus strand). VCF-style: chr16-15720184-C-T. GRCh37 (hg19) VCF-style: chr16-15814041-C-T.
Other names: c.4941G>A, p.Arg1647= (NM_001040113.2, NM_001040114.2); c.4920G>A, p.Arg1640= (NM_022844.3); c.948-4007C>T (NM_001143979.2, NM_017668.3).
Identifiers: ClinVar variation 263826 (VCV000263826.22), dbSNP rs199638486, ClinGen allele CA7921509.
Genomic context (GRCh38, chr16:15,720,184, plus strand): 5'-ATGCCCCAAGCTCCTAGTGTCACCCACCTGCAGTTTGCGTAGCTGCTTGATGGCTTCCTC[C>T]CTCCCCTTGATGGCAGAGTCGGCCTGAAGCTCCAGGTCTTTCAGGTCCCCTTCCAGCTTC-3'
Protein context (NP_002465.1, residues 1630-1650): ELQADSAIKG[Arg1640=]EEAIKQLRKL